The following is an entry in ClinVar:

NM_001164508.2(NEB):c.25499A>G (p.Asp8500Gly)

Genes: NEB (nebulin; minus strand), RIF1 (replication timing regulatory factor 1; plus strand). Cytogenetic location: 2q23.3.
Variant type: single nucleotide variant.
Coding change: c.25499A>G on transcript NM_001164508.2 (MANE Select); coding-DNA position 25499, A replaced by G.
Protein change: p.Asp8500Gly; replaces aspartic acid 8500 with glycine.
Molecular consequence: missense variant.
Genome position (GRCh38, 1-based): chr2:151,485,839, T>C on the plus strand (A>G on the coding strand, the complement: NEB is on the minus strand). VCF-style: chr2-151485839-T-C. GRCh37 (hg19) VCF-style: chr2-152342353-T-C.
Other names: c.25499A>G, p.Asp8500Gly (NM_001164507.2); c.25604A>G, p.Asp8535Gly (NM_001271208.2); c.19931A>G, p.Asp6644Gly (NM_004543.5); short protein forms D6644G, D8500G, D8535G.
Identifiers: ClinVar variation 4729948 (VCV004729948.1).
Genomic context (GRCh38, chr2:151,485,839, plus strand): 5'-TTGGCTGGGAGCATTCCGGTCCTGCCAGTCCTCTGCACAGTGCCATACATCCAGCCTTCA[T>C]CAATTGCTTGAACATTTATGATGGCATCTCCATCCTTGAAGGACACCTCATCTGCATCAG-3'
Protein context (NP_001157980.2, residues 8490-8510): GDAIINVQAI[Asp8500Gly]EGWMYGTVQR

ClinVar aggregate classification (germline): Uncertain significance (1 of 4 stars; one submission).

Conditions:
Nemaline myopathy 2 (NEM2). Also called: Nemaline myopathy 2, autosomal recessive. Identifiers: MedGen C1850569, MONDO:0009725, OMIM 256030.

Submission:

Labcorp Genetics (formerly Invitae), Labcorp
Classification: Uncertain significance for Nemaline myopathy 2. Last evaluated: 2025-11-02. Review status: criteria provided, single submitter. Criteria: Invitae Variant Classification Sherloc (09022015). Collection method: clinical testing. Allele origin: germline.
Comment: This sequence change replaces aspartic acid, which is acidic and polar, with glycine, which is neutral and non-polar, at codon 8535 of the NEB protein (p.Asp8535Gly). This variant is not present in population databases (gnomAD no frequency). This variant has not been reported in the literature in individuals affected with NEB-related conditions. Experimental studies and prediction algorithms are not available or were not evaluated, and the functional significance of this variant is currently unknown. In summary, the available evidence is currently insufficient to determine the role of this variant in disease. Therefore, it has been classified as a Variant of Uncertain Significance.